The following is an entry in ClinVar:

NM_000384.3(APOB):c.12021C>A (p.Gly4007=)

Gene: APOB (apolipoprotein B; minus strand). Cytogenetic location: 2p24.1.
Variant type: single nucleotide variant.
Coding change: c.12021C>A on transcript NM_000384.3 (MANE Select); coding-DNA position 12021, C replaced by A.
Protein change: p.Gly4007=; no amino-acid change (glycine 4007 retained).
Molecular consequence: synonymous variant.
Genome position (GRCh38, 1-based): chr2:21,004,335, G>T on the plus strand (C>A on the coding strand, the complement: APOB is on the minus strand). VCF-style: chr2-21004335-G-T. GRCh37 (hg19) VCF-style: chr2-21227207-G-T.
Identifiers: ClinVar variation 237737 (VCV000237737.21), dbSNP rs145498491, ClinGen allele CA048655.

ClinVar aggregate classification (germline): Likely benign. Review status: criteria provided, multiple submitters, no conflicts (2 of 4 stars). 4 submissions from 4 submitters: Likely benign (3). 1 of the submissions does not count toward it. Last evaluated 2025-09-03.

Conditions:
APOB-related disorder. Also called: APOB-related disorders; APOB-related condition.
Cardiovascular phenotype. Identifiers: MedGen CN230736.
Familial hypobetalipoproteinemia 1. Also called: Hypobetalipoproteinemia, normotriglyceridemic; Acanthocytosis with hypobetalipoproteinemia; APOB-Related Familial Hypobetalipoproteinemia. Identifiers: MedGen C4551990, MONDO:0014252, OMIM 615558.
Hypercholesterolemia, autosomal dominant, type B (FHCL2). Also called: Familial Hypercholesterolemia Type B; APOB-Related Familial Hypercholesterolemia, Autosomal Dominant; Hyperlipoproteinemia Type IIb; Familial hypercholesterolemia 2; APOLIPOPROTEIN B-100, FAMILIAL DEFECTIVE; APOLIPOPROTEIN B-100, FAMILIAL LIGAND-DEFECTIVE. Identifiers: MedGen C1704417, MONDO:0007751, OMIM 144010.

Allele frequency attached by ClinVar (database versions not stated): TOPMed 0.00002; gnomAD 0.00003; gnomAD exomes 0.00003; ExAC 0.00004; ESP Exome Variant Server 0.00008.
gnomAD v4.1: 145 of 1,613,862 alleles (0.009%); highest among the groups gnomAD compares: Non-Finnish European, 0.012%; no homozygotes.

Submissions (4):

Labcorp Genetics (formerly Invitae), Labcorp
Classification: Likely benign for Familial hypobetalipoproteinemia 1; Hypercholesterolemia, autosomal dominant, type B. Last evaluated: 2025-09-03. Review status: criteria provided, single submitter. Criteria: Invitae Variant Classification Sherloc (09022015). Collection method: clinical testing. Allele origin: germline.

ARUP Laboratories, Molecular Genetics and Genomics, ARUP Laboratories
Classification: Likely benign. Last evaluated: 2025-04-24. Review status: criteria provided, single submitter. Criteria: ARUP Molecular Germline Variant Investigation Process 2024. Collection method: clinical testing. Allele origin: germline.

Ambry Genetics
Classification: Likely benign for Cardiovascular phenotype. Last evaluated: 2019-04-05. Review status: criteria provided, single submitter. Criteria: Ambry Variant Classification Scheme 2023. Collection method: clinical testing. Allele origin: germline.

PreventionGenetics, part of Exact Sciences
Classification: Likely benign for APOB-related condition. Last evaluated: 2019-07-23. Review status: no assertion criteria provided. Collection method: clinical testing. Allele origin: germline. Not counted in ClinVar's aggregate classification.
Comment: This variant is classified as likely benign based on ACMG/AMP sequence variant interpretation guidelines (Richards et al. 2015 PMID: 25741868, with internal and published modifications).